The following is an entry in ClinVar:

NM_018124.4(RFWD3):c.1223G>A (p.Ser408Asn)

Gene: RFWD3 (ring finger and WD repeat domain 3; minus strand). Cytogenetic location: 16q23.1.
Variant type: single nucleotide variant.
Coding change: c.1223G>A on transcript NM_018124.4 (MANE Select); coding-DNA position 1223, G replaced by A.
Protein change: p.Ser408Asn; replaces serine 408 with asparagine.
Molecular consequence: missense variant.
Genome position (GRCh38, 1-based): chr16:74,636,549, C>T on the plus strand (G>A on the coding strand, the complement: RFWD3 is on the minus strand). VCF-style: chr16-74636549-C-T. GRCh37 (hg19) VCF-style: chr16-74670447-C-T.
Other names: c.1223G>A (NM_018124.3); c.1223G>A, p.Ser408Asn (NM_001370534.1, NM_001370535.1, NM_001370536.1); c.389G>A, p.Ser130Asn (NM_001370537.1, NM_001370539.1, NM_001370540.1 and 3 more transcripts); short protein forms S130N, S408N.
Identifiers: ClinVar variation 2999598 (VCV002999598.4), dbSNP rs766228902, ClinGen allele CA8169269.
Genomic context (GRCh38, chr16:74,636,549, plus strand): 5'-CTGGAGGGTGAGCAGCTCAGGACCCATGCTTGGGAGCCCCTGGGTTGCTGTAAATTCTGA[C>T]TTTGATGTGACGTAAGTTTTTGCAAGTCCTAAAATGAAAAAGATTTTATAAATACAAAGC-3'
Protein context (NP_060594.3, residues 398-418): QDLQKLTSHQ[Ser408Asn]QNLQQPRGSQ

ClinVar aggregate classification (germline): Conflicting classifications of pathogenicity. Review status: criteria provided, conflicting classifications (1 of 4 stars). 2 submissions from 2 submitters: Uncertain significance (1); Likely benign (1). Last evaluated 2025-12-16.

Allele frequency attached by ClinVar (database versions not stated): TOPMed 0.00002; gnomAD 0.00003; ExAC 0.00002.

Submissions (2):

Labcorp Genetics (formerly Invitae), Labcorp
Classification: Uncertain significance. Last evaluated: 2025-12-16. Review status: criteria provided, single submitter. Criteria: Invitae Variant Classification Sherloc (09022015). Collection method: clinical testing. Allele origin: germline.
Comment: This sequence change replaces serine, which is neutral and polar, with asparagine, which is neutral and polar, at codon 408 of the RFWD3 protein (p.Ser408Asn). This variant is present in population databases (rs766228902, gnomAD 0.003%). This variant has not been reported in the literature in individuals affected with RFWD3-related conditions. ClinVar contains an entry for this variant (Variation ID: 2999598). An algorithm developed to predict the effect of missense changes on protein structure and function outputs the following: PolyPhen-2: "Benign". The asparagine amino acid residue is found in multiple mammalian species, which suggests that this missense change does not adversely affect protein function. In summary, the available evidence is currently insufficient to determine the role of this variant in disease. Therefore, it has been classified as a Variant of Uncertain Significance.

Ambry Genetics
Classification: Likely benign. Last evaluated: 2025-11-26. Review status: criteria provided, single submitter. Criteria: Ambry Variant Classification Scheme 2023. Collection method: clinical testing. Allele origin: germline.